The following is an entry in ClinVar:

ClinVar aggregate classification (germline): Uncertain significance (1 of 4 stars; one submission).

Conditions:
Hereditary cancer-predisposing syndrome. Also called: Tumor predisposition; Hereditary Cancer Syndrome; Hereditary neoplastic syndrome; Neoplastic Syndromes, Hereditary. Identifiers: Orphanet 140162, MedGen C0027672, MeSH D009386, MONDO:0015356.

Submission:

Ambry Genetics
Classification: Uncertain significance for Hereditary cancer-predisposing syndrome. Last evaluated: 2024-04-05. Review status: criteria provided, single submitter. Criteria: Ambry Variant Classification Scheme 2023. Collection method: clinical testing. Allele origin: germline.
Comment: The p.E495V variant (also known as c.1484A>T), located in coding exon 4 of the PALB2 gene, results from an A to T substitution at nucleotide position 1484. The glutamic acid at codon 495 is replaced by valine, an amino acid with dissimilar properties. This amino acid position is conserved. In addition, this alteration is predicted to be tolerated by in silico analysis. Based on the available evidence, the clinical significance of this variant remains unclear.

NM_024675.4(PALB2):c.1484A>T (p.Glu495Val)

Gene: PALB2 (partner and localizer of BRCA2; minus strand). Cytogenetic location: 16p12.2.
Variant type: single nucleotide variant.
Coding change: c.1484A>T on transcript NM_024675.4 (MANE Select); coding-DNA position 1484, A replaced by T.
Protein change: p.Glu495Val; replaces glutamic acid 495 with valine.
Molecular consequence: missense variant. On other transcripts: intron variant (3).
Genome position (GRCh38, 1-based): chr16:23,635,062, T>A on the plus strand (A>T on the coding strand, the complement: PALB2 is on the minus strand). VCF-style: chr16-23635062-T-A. GRCh37 (hg19) VCF-style: chr16-23646383-T-A.
Other names: c.-104-4593A>T (NM_001407312.1, NM_001407313.1); c.49-5787A>T (NM_001407314.1); c.1424A>T, p.Glu475Val (NM_001407296.1); c.1484A>T, p.Glu495Val (NM_001407297.1, NM_001407298.1, NM_001407299.1 and 3 more transcripts); c.599A>T, p.Glu200Val (NM_001407304.1, NM_001407305.1, NM_001407306.1 and 5 more transcripts); short protein forms E495V, E200V, E475V.
Identifiers: ClinVar variation 3303992 (VCV003303992.1).